The following is an entry in ClinVar:

ClinVar aggregate classification (germline): Uncertain significance (1 of 4 stars; one submission).

Submission:

GeneDx
Classification: Uncertain significance. Last evaluated: 2023-10-24. Review status: criteria provided, single submitter. Criteria: GeneDx Variant Classification Process June 2021. Collection method: clinical testing. Allele origin: germline. Affected: yes.
Comment: Not observed at significant frequency in large population cohorts (gnomAD); In silico analysis supports that this missense variant has a deleterious effect on protein structure/function; Has not been previously published as pathogenic or benign to our knowledge

NM_000528.4(MAN2B1):c.2705T>G (p.Leu902Arg)

Genes: MAN2B1 (mannosidase alpha class 2B member 1; minus strand), LOC130063648 (ATAC-STARR-seq lymphoblastoid active region 14063; plus strand). Cytogenetic location: 19p13.13.
Variant type: single nucleotide variant.
Coding change: c.2705T>G on transcript NM_000528.4 (MANE Select); coding-DNA position 2705, T replaced by G.
Protein change: p.Leu902Arg; replaces leucine 902 with arginine.
Molecular consequence: missense variant.
Genome position (GRCh38, 1-based): chr19:12,647,558, A>C on the plus strand (T>G on the coding strand, the complement: MAN2B1 is on the minus strand). VCF-style: chr19-12647558-A-C. GRCh37 (hg19) VCF-style: chr19-12758372-A-C.
Other names: c.2702T>G, p.Leu901Arg (NM_001173498.2); short protein forms L901R, L902R.
Identifiers: ClinVar variation 3363433 (VCV003363433.1).
Genomic context (GRCh38, chr19:12,647,558, plus strand): 5'-GCAAACTGGTGCTCCAAGCGCAGCAGCACCATTTCGGGGCCCCAGCTGGCCAGCGTGAGC[A>C]GGTGCACCGAGGGCGGCAGGTCCCTGCGCAGCCCTGAGAACTGCGGGAGAGAGGGCGGGG-3'
Protein context (NP_000519.2, residues 892-912): LRRDLPPSVH[Leu902Arg]LTLASWGPEM